The following is an entry in ClinVar:

NM_021096.4(CACNA1I):c.6260A>G (p.His2087Arg)

Gene: CACNA1I (calcium voltage-gated channel subunit alpha1 I; plus strand). Cytogenetic location: 22q13.1.
Variant type: single nucleotide variant.
Coding change: c.6260A>G on transcript NM_021096.4 (MANE Select); coding-DNA position 6260, A replaced by G.
Protein change: p.His2087Arg; replaces histidine 2087 with arginine.
Molecular consequence: missense variant.
Genome position (GRCh38, 1-based): chr22:39,685,993, A>G. VCF-style: chr22-39685993-A-G. GRCh37 (hg19) VCF-style: chr22-40081998-A-G.
Other names: c.6155A>G, p.His2052Arg (NM_001003406.2); short protein forms H2052R, H2087R.
Identifiers: ClinVar variation 3377946 (VCV003377946.1).
Genomic context (GRCh38, chr22:39,685,993, plus strand): 5'-TGAGCCTGCGCGGCCGGGGCCTCTTCAGCCTGCGGGGGCTGCGGGCGCATCAGCGCAGCC[A>G]CAGCAGCGGGGGCTCCACCAGCCCGGGCTGCACCCACCACGACTCCATGGACCCCTCGGA-3'
Protein context (NP_066919.2, residues 2077-2097): LRGLRAHQRS[His2087Arg]SSGGSTSPGC

ClinVar aggregate classification (germline): Uncertain significance (1 of 4 stars; one submission).

Submission:

GeneDx
Classification: Uncertain significance. Last evaluated: 2024-05-16. Review status: criteria provided, single submitter. Criteria: GeneDx Variant Classification Process June 2021. Collection method: clinical testing. Allele origin: germline. Affected: yes.
Comment: Has not been previously published as pathogenic or benign to our knowledge; Not observed at significant frequency in large population cohorts (gnomAD); In silico analysis indicates that this missense variant does not alter protein structure/function